The following is an entry in ClinVar:

ClinVar aggregate classification (germline): Uncertain significance (1 of 4 stars; one submission).

Conditions:
Hereditary cancer-predisposing syndrome. Also called: Hereditary Cancer Syndrome; Hereditary neoplastic syndrome; Neoplastic Syndromes, Hereditary; Tumor predisposition. Identifiers: Orphanet 140162, MedGen C0027672, MeSH D009386, MONDO:0015356.

gnomAD v4.1: 1 of 1,614,128 alleles (0.000062%); highest among the groups gnomAD compares: Non-Finnish European, 0.000085%; no homozygotes.

Submission:

Ambry Genetics
Classification: Uncertain significance for Hereditary cancer-predisposing syndrome. Last evaluated: 2025-04-01. Review status: criteria provided, single submitter. Criteria: Ambry Variant Classification Scheme 2023. Collection method: clinical testing. Allele origin: germline.
Comment: The p.K377E variant (also known as c.1129A>G), located in coding exon 4 of the MSH6 gene, results from an A to G substitution at nucleotide position 1129. The lysine at codon 377 is replaced by glutamic acid, an amino acid with similar properties. This amino acid position is conserved. In addition, the in silico prediction for this alteration is inconclusive. Based on the available evidence, the clinical significance of this variant remains unclear.

NM_000179.3(MSH6):c.1129A>G (p.Lys377Glu)

Gene: MSH6 (mutS homolog 6; plus strand). Cytogenetic location: 2p16.3.
Variant type: single nucleotide variant.
Coding change: c.1129A>G on transcript NM_000179.3 (MANE Select); coding-DNA position 1129, A replaced by G.
Protein change: p.Lys377Glu; replaces lysine 377 with glutamic acid.
Molecular consequence: missense variant. On other transcripts: non-coding transcript variant (4), intron variant (1).
Genome position (GRCh38, 1-based): chr2:47,799,112, A>G. VCF-style: chr2-47799112-A-G. GRCh37 (hg19) VCF-style: chr2-48026251-A-G.
Other names: c.739A>G, p.Lys247Glu (NM_001281492.2); c.223A>G, p.Lys75Glu (NM_001281493.2, NM_001281494.2, NM_001406811.1 and 6 more transcripts); c.1225A>G, p.Lys409Glu (NM_001406795.1, NM_001406802.1); c.1129A>G, p.Lys377Glu (NM_001406796.1, NM_001406798.1, NM_001406800.1 and 4 more transcripts); c.832A>G, p.Lys278Glu (NM_001406797.1, NM_001406801.1, NM_001406805.1 and 10 more transcripts); c.604A>G, p.Lys202Glu (NM_001406799.1, NM_001406806.1, NM_001406807.1); c.1051A>G, p.Lys351Glu (NM_001406804.1); c.1135A>G, p.Lys379Glu (NM_001406813.1); and 2 more; short protein forms K247E, K377E, K379E, K409E, K321E, K75E, K278E, K202E.
Identifiers: ClinVar variation 3913696 (VCV003913696.1).